The following is an entry in ClinVar:

ClinVar aggregate classification (germline): Likely pathogenic (1 of 4 stars; one submission).

Conditions:
Charcot-Marie-Tooth disease axonal type 2S. Also called: CHARCOT-MARIE-TOOTH DISEASE, AXONAL, AUTOSOMAL RECESSIVE, TYPE 2S; CHARCOT-MARIE-TOOTH NEUROPATHY, TYPE 2S. Identifiers: Orphanet 443073, MedGen C4015349, MONDO:0014511, OMIM 616155.
Autosomal recessive distal spinal muscular atrophy 1. Also called: HMN VI; NEURONOPATHY, SEVERE INFANTILE AXONAL, WITH RESPIRATORY FAILURE; SEVERE INFANTILE AXONAL NEUROPATHY WITH RESPIRATORY FAILURE; SPINAL MUSCULAR ATROPHY, DIAPHRAGMATIC; Spinal muscular atrophy with respiratory distress 1; NEURONOPATHY, DISTAL HEREDITARY MOTOR, HARDING TYPE VI. Identifiers: Orphanet 98920, MedGen C1858517, MONDO:0011436, OMIM 604320.

Submission:

Labcorp Genetics (formerly Invitae), Labcorp
Classification: Likely pathogenic for Autosomal recessive distal spinal muscular atrophy 1; Charcot-Marie-Tooth disease axonal type 2S. Last evaluated: 2024-03-13. Review status: criteria provided, single submitter. Criteria: Invitae Variant Classification Sherloc (09022015). Collection method: clinical testing. Allele origin: germline.
Comment: This sequence change affects an acceptor splice site in intron 12 of the IGHMBP2 gene. It is expected to disrupt RNA splicing. Variants that disrupt the donor or acceptor splice site typically lead to a loss of protein function (PMID: 16199547), and loss-of-function variants in IGHMBP2 are known to be pathogenic (PMID: 14681881, 25439726, 25568292). This variant is not present in population databases (gnomAD no frequency). This variant has not been reported in the literature in individuals affected with IGHMBP2-related conditions. Algorithms developed to predict the effect of sequence changes on RNA splicing suggest that this variant may disrupt the consensus splice site. In summary, the currently available evidence indicates that the variant is pathogenic, but additional data are needed to prove that conclusively. Therefore, this variant has been classified as Likely Pathogenic.

Literature cited by the submitters: PubMed 16199547; PubMed 14681881; PubMed 25439726; PubMed 25568292.

NM_002180.3(IGHMBP2):c.1757-1G>A

Gene: IGHMBP2 (immunoglobulin mu DNA binding protein 2; plus strand). Cytogenetic location: 11q13.3.
Variant type: single nucleotide variant.
Coding change: c.1757-1G>A on transcript NM_002180.3 (MANE Select); the canonical splice acceptor site of the intron before coding-DNA position 1757, G replaced by A.
Molecular consequence: splice acceptor variant.
Genome position (GRCh38, 1-based): chr11:68,936,236, G>A. VCF-style: chr11-68936236-G-A. GRCh37 (hg19) VCF-style: chr11-68703704-G-A.
Identifiers: ClinVar variation 3751450 (VCV003751450.2).